The following is an entry in ClinVar:

ClinVar aggregate classification (germline): Benign/Likely benign. Review status: criteria provided, multiple submitters, no conflicts (2 of 4 stars). 3 submissions from 3 submitters: Benign (1); Likely benign (2). Last evaluated 2025-09-27.

Conditions:
POLD1-related polyposis and colorectal cancer syndrome (CRCS10). Also called: Colorectal cancer, susceptibility to, 10; Colorectal cancer 10; COLORECTAL CANCER, SUSCEPTIBILITY TO, ON CHROMOSOME 19q. Identifiers: Orphanet 220460, MedGen C2675481, MONDO:0012953, OMIM 612591.
Hereditary cancer-predisposing syndrome. Also called: Hereditary neoplastic syndrome; Neoplastic Syndromes, Hereditary; Tumor predisposition; Hereditary Cancer Syndrome. Identifiers: Orphanet 140162, MedGen C0027672, MeSH D009386, MONDO:0015356.

Allele frequency attached by ClinVar (database versions not stated): TOPMed 0.00001.

Submissions (3):

Ambry Genetics
Classification: Likely benign for Hereditary cancer-predisposing syndrome. Last evaluated: 2025-09-27. Review status: criteria provided, single submitter. Criteria: Ambry Variant Classification Scheme 2023. Collection method: clinical testing. Allele origin: germline.

Myriad Genetics, Inc.
Classification: Benign for POLD1-related polyposis and colorectal cancer syndrome. Last evaluated: 2025-02-07. Review status: criteria provided, single submitter. Criteria: Myriad Autosomal Dominant, Autosomal Recessive and X-Linked Classification Criteria (2023). Collection method: clinical testing. Allele origin: unknown.
Comment: This variant is considered benign. This variant is a silent/synonymous amino acid change and it is not expected to impact splicing.

Labcorp Genetics (formerly Invitae), Labcorp
Classification: Likely benign for POLD1-related polyposis and colorectal cancer syndrome. Last evaluated: 2023-08-16. Review status: criteria provided, single submitter. Criteria: Invitae Variant Classification Sherloc (09022015). Collection method: clinical testing. Allele origin: germline.

NM_002691.4(POLD1):c.1659C>T (p.Val553=)

Gene: POLD1 (DNA polymerase delta 1, catalytic subunit; plus strand). Cytogenetic location: 19q13.33.
Variant type: single nucleotide variant.
Coding change: c.1659C>T on transcript NM_002691.4 (MANE Select); coding-DNA position 1659, C replaced by T.
Protein change: p.Val553=; no amino-acid change (valine 553 retained).
Molecular consequence: synonymous variant. On other transcripts: non-coding transcript variant (1).
Genome position (GRCh38, 1-based): chr19:50,407,147, C>T. VCF-style: chr19-50407147-C-T. GRCh37 (hg19) VCF-style: chr19-50910404-C-T.
Other names: c.1659C>T (NM_002691.2); c.1659C>T, p.Val553= (NM_001256849.1, NM_001308632.1).
Identifiers: ClinVar variation 1127967 (VCV001127967.11), dbSNP rs2038923516, ClinGen allele CA508184110.